The following is an entry in ClinVar:

NM_001182.5(ALDH7A1):c.530C>A (p.Ala177Glu)

Gene: ALDH7A1 (aldehyde dehydrogenase 7 family member A1; minus strand). Cytogenetic location: 5q23.2.
Variant type: single nucleotide variant.
Coding change: c.530C>A on transcript NM_001182.5 (MANE Select); coding-DNA position 530, C replaced by A.
Protein change: p.Ala177Glu; replaces alanine 177 with glutamic acid.
Molecular consequence: missense variant.
Genome position (GRCh38, 1-based): chr5:126,577,199, G>T on the plus strand (C>A on the coding strand, the complement: ALDH7A1 is on the minus strand). VCF-style: chr5-126577199-G-T. GRCh37 (hg19) VCF-style: chr5-125912891-G-T.
Other names: c.446C>A, p.Ala149Glu (NM_001201377.2); c.530C>A, p.Ala177Glu (NM_001202404.2); short protein forms A177E, A149E.
Identifiers: ClinVar variation 410537 (VCV000410537.15), dbSNP rs764417585, ClinGen allele CA3389734.

ClinVar aggregate classification (germline): Pathogenic/Likely pathogenic. Review status: criteria provided, multiple submitters, no conflicts (2 of 4 stars). 4 submissions from 4 submitters: Pathogenic (3); Likely pathogenic (1). Last evaluated 2026-01-21.

Conditions:
Pyridoxine-dependent epilepsy (EPEO4). Also called: EPILEPSY, EARLY-ONSET, 4, VITAMIN B6-DEPENDENT; Pyridoxine-Dependent Epilepsy - ALDH7A1; PYRIDOXINE DEPENDENCY WITH SEIZURES; Pyridoxine-Dependent Seizures. Identifiers: Orphanet 3006, MedGen C1849508, MONDO:0009945, OMIM 266100. Disease mechanism: loss of function.

Allele frequency attached by ClinVar (database versions not stated): ExAC 0.00001; gnomAD exomes 0.00001.
gnomAD v4.1: 4 of 1,614,128 alleles (0.00025%); highest among the groups gnomAD compares: South Asian, 0.0044%; no homozygotes.

Submissions (4):

Labcorp Genetics (formerly Invitae), Labcorp
Classification: Pathogenic for Pyridoxine-dependent epilepsy. Last evaluated: 2026-01-21. Review status: criteria provided, single submitter. Criteria: Invitae Variant Classification Sherloc (09022015). Collection method: clinical testing. Allele origin: germline.
Comment: This sequence change replaces alanine, which is neutral and non-polar, with glutamic acid, which is acidic and polar, at codon 177 of the ALDH7A1 protein (p.Ala177Glu). This variant is present in population databases (rs764417585, gnomAD 0.006%). This missense change has been observed in individual(s) with pyridoxine dependent epilepsy (PMID: 20554659, 24664088). In at least one individual the data is consistent with being in trans (on the opposite chromosome) from a pathogenic variant. ClinVar contains an entry for this variant (Variation ID: 410537). Invitae Evidence Modeling of protein sequence and biophysical properties (such as structural, functional, and spatial information, amino acid conservation, physicochemical variation, residue mobility, and thermodynamic stability) has been performed for this missense variant. However, the output from this modeling did not meet the statistical confidence thresholds required to predict the impact of this variant on ALDH7A1 protein function. For these reasons, this variant has been classified as Pathogenic.

Neuberg Centre For Genomic Medicine, NCGM
Classification: Likely pathogenic for Pyridoxine-dependent epilepsy. Last evaluated: 2023-06-22. Review status: criteria provided, single submitter. Criteria: ACMG Guidelines, 2015. Collection method: clinical testing. Allele origin: germline. Inheritance: Autosomal recessive inheritance. Affected: yes.
Comment: The observed missense c.530C>A (p.Ala177Glu) variant in ALDH7A1 gene has been reported in multiple individuals affected with epilepsy (Mills et al., 2010; Jain-Ghai et al., 2014; Coughlin et al., 2019; Korasick and Tanner, 2021). This variant is present with allele frquency of 0.0008% in gnomAD Exomes. This variant has been submitted to the ClinVar database as Pathogenic. Computational evidence (Polyphen - Possibly Damaging, SIFT - Tolerated and MutationTaster - Disease causing) predicts conflicting evidence on protein structure and function for this variant. The reference amino acid of p.Ala177Glu in ALDH7A1 is predicted as conserved by GERP++ and PhyloP across 100 vertebrates. The amino acid Ala at position 177 is changed to a Glu changing protein sequence and it might alter its composition and physico-chemical properties. Additional functional studies will be required to prove the pathogenicity of this variant. For these reasons, this variant has been classified as Likely Pathogenic. However, in absence of another reportable variant in ALDH7A1 gene, the molecular diagnosis is not confirmed.

Genome-Nilou Lab
Classification: Pathogenic for Pyridoxine-dependent epilepsy. Last evaluated: 2023-04-11. Review status: criteria provided, single submitter. Criteria: ACMG Guidelines, 2015. Collection method: clinical testing. Allele origin: germline. Affected: no.

Revvity Omics, Revvity
Classification: Pathogenic for Pyridoxine-dependent epilepsy. Last evaluated: 2022-05-17. Review status: criteria provided, single submitter. Criteria: ACMG Guidelines, 2015. Collection method: clinical testing. Allele origin: germline.

Literature cited by the submitters: PubMed 20554659 (cited by Labcorp Genetics (formerly Invitae), Labcorp); PubMed 24664088 (cited by Labcorp Genetics (formerly Invitae), Labcorp).